The following is an entry in ClinVar:

NM_000059.4(BRCA2):c.7165_7169del (p.Thr2388_Arg2389insTer)

Gene: BRCA2 (BRCA2 DNA repair associated; plus strand). Cytogenetic location: 13q13.1.
Variant type: Deletion.
Coding change: c.7165_7169del on transcript NM_000059.4 (MANE Select); coding-DNA positions 7165 to 7169, 5 bases deleted (AGAAA; older notation c.7165_7169delAGAAA).
Protein change: p.Thr2388_Arg2389insTer.
Molecular consequence: nonsense.
Genome position (GRCh38, 1-based): chr13:32,355,018-32,355,022, AGAAA deleted; deleting any 5 consecutive bases within chr13:32,355,017-32,355,022 gives the same sequence; the c. name uses the placement nearest the transcript's 3' end. VCF-style (leftmost placement, unchanged base first): chr13-32355016-CAAGAA-C. GRCh37 (hg19) VCF-style: chr13-32929153-CAAGAA-C.
Other names: c.7165_7169delAGAAA (NM_000059.3).
Identifiers: ClinVar variation 418086 (VCV000418086.2), dbSNP rs1064793067, ClinGen allele CA16619758.

ClinVar aggregate classification (germline): Pathogenic. Review status: reviewed by expert panel (3 of 4 stars). 2 submissions from 2 submitters: Pathogenic (1). 1 of the submissions does not count toward it. Last evaluated 2017-12-15.

Conditions:
Breast-ovarian cancer, familial, susceptibility to, 2 (BROVCA2). Also called: BRCA2 Hereditary Breast and Ovarian Cancer. Identifiers: Orphanet 145, MedGen C2675520, MONDO:0012933, OMIM 612555. Disease mechanism: loss of function.

Submissions (2):

Evidence-based Network for the Interpretation of Germline Mutant Alleles (ENIGMA)
Classification: Pathogenic for Breast-ovarian cancer, familial, susceptibility to, 2. Last evaluated: 2017-12-15. Review status: reviewed by expert panel. Criteria: ENIGMA BRCA1/2 Classification Criteria (2017-06-29). Collection method: curation. Allele origin: germline. Study: ENIGMA.
Comment: Variant allele predicted to encode a truncated non-functional protein.

GeneDx
Classification: Pathogenic. Last evaluated: 2015-01-26. Review status: criteria provided, single submitter. Criteria: GeneDx Variant Classification (06012015). Collection method: clinical testing. Allele origin: germline. Affected: yes. Not counted in ClinVar's aggregate classification.
Comment: This deletion of 5 nucleotides is denoted BRCA2 c.7165_7169delAGAAA at the cDNA level and p.Arg2389Ter (R2389X) at the protein level. The normal sequence, with the bases that are deleted in brackets, is TACA[AGAAA]TGAA. The deletion creates a nonsense variant, which changes an Arginine to a premature stop codon. Although this variant has not been previously reported to our knowledge, it is predicted to cause loss of normal protein function through either protein truncation or nonsense-mediated mRNA decay, and is considered pathogenic.